The following is an entry in ClinVar:

ClinVar aggregate classification (germline): Pathogenic. Review status: criteria provided, multiple submitters, no conflicts (2 of 4 stars). 3 submissions from 3 submitters: Pathogenic (2). 1 of the submissions does not count toward it. Last evaluated 2025-02-25.

Conditions:
SUFU-related disorder. Also called: SUFU-related condition; SUFU-related disorders.
Hereditary cancer-predisposing syndrome. Also called: Hereditary neoplastic syndrome; Neoplastic Syndromes, Hereditary; Hereditary Cancer Syndrome; Tumor predisposition. Identifiers: Orphanet 140162, MedGen C0027672, MeSH D009386, MONDO:0015356.
Gorlin syndrome. Also called: Nevoid Basal Cell Carcinoma Syndrome; Basal cell nevus syndrome. Identifiers: Orphanet 377, MedGen C0004779, MONDO:0007187.
Medulloblastoma (MDB). Also called: MEDULLOBLASTOMA PREDISPOSITION SYNDROME; Medulloblastoma, somatic. Identifiers: Orphanet 616, MedGen C0025149, MeSH D008527, MONDO:0007959, OMIM 155255, HP:0002885.

Submissions (3):

Ambry Genetics
Classification: Pathogenic for Hereditary cancer-predisposing syndrome. Last evaluated: 2025-02-25. Review status: criteria provided, single submitter. Criteria: Ambry Variant Classification Scheme 2023. Collection method: clinical testing. Allele origin: germline.
Comment: The c.895_896insTGTGT pathogenic mutation, located in coding exon 7 of the SUFU gene, results from an insertion of 5 nucleotides at position 895, causing a translational frameshift with a predicted alternate stop codon (p.R299Lfs*16). This alteration is expected to result in loss of function by premature protein truncation or nonsense-mediated mRNA decay. As such, this alteration is interpreted as a disease-causing mutation.

Labcorp Genetics (formerly Invitae), Labcorp
Classification: Pathogenic for Gorlin syndrome; Medulloblastoma. Last evaluated: 2018-08-23. Review status: criteria provided, single submitter. Criteria: Invitae Variant Classification Sherloc (09022015). Collection method: clinical testing. Allele origin: germline.
Comment: This sequence change creates a premature translational stop signal (p.Arg299Leufs*16) in the SUFU gene. It is expected to result in an absent or disrupted protein product. This variant is not present in population databases (ExAC no frequency). This variant has not been reported in the literature in individuals with SUFU-related disease. Loss-of-function variants in SUFU are known to be pathogenic (PMID: 22508808, 25403219). For these reasons, this variant has been classified as Pathogenic.

PreventionGenetics, part of Exact Sciences
Classification: Likely pathogenic for SUFU-related condition. Last evaluated: 2024-09-20. Review status: no assertion criteria provided. Collection method: clinical testing. Allele origin: germline. Not counted in ClinVar's aggregate classification.
Comment: The SUFU c.895_896insTGTGT variant is predicted to result in a frameshift and premature protein termination (p.Arg299Leufs*16). To our knowledge, this variant has not been reported in the literature. This variant has not been reported in a large population database, indicating this variant is rare. This variant is interpreted as pathogenic in ClinVar. Frameshift variants in SUFU are expected to be pathogenic. This variant is interpreted as likely pathogenic.

Literature cited by the submitters: PubMed 22508808 (cited by Labcorp Genetics (formerly Invitae), Labcorp); PubMed 25403219 (cited by Labcorp Genetics (formerly Invitae), Labcorp).

NM_016169.4(SUFU):c.895_896insTGTGT (p.Arg299fs)

Gene: SUFU (SUFU negative regulator of hedgehog signaling; plus strand). Cytogenetic location: 10q24.32.
Variant type: Insertion.
Coding change: c.895_896insTGTGT on transcript NM_016169.4 (MANE Select); coding-DNA positions 895 to 896, TGTGT inserted.
Protein change: p.Arg299fs; shifts the reading frame from arginine 299.
Molecular consequence: frameshift variant.
Genome position: GRCh38 VCF-style: chr10-102597278-C-CTGTGT. GRCh37 (hg19) VCF-style: chr10-104357035-C-CTGTGT.
Other names: c.895_896insTGTGT, p.Arg299fs (NM_001178133.2); short protein forms R299fs.
Identifiers: ClinVar variation 573948 (VCV000573948.10), dbSNP rs1564698850, ClinGen allele CA891843311.